The following is an entry in ClinVar:

ClinVar aggregate classification (germline): Uncertain significance (1 of 4 stars; one submission).

Submission:

GeneDx
Classification: Uncertain significance. Last evaluated: 2024-10-10. Review status: criteria provided, single submitter. Criteria: GeneDx Variant Classification Process June 2021. Collection method: clinical testing. Allele origin: germline. Affected: yes.
Comment: Not observed at significant frequency in large population cohorts (gnomAD); In silico analysis indicates that this missense variant does not alter protein structure/function; Has not been previously published as pathogenic or benign to our knowledge

NM_001457.4(FLNB):c.1883A>G (p.Lys628Arg)

Gene: FLNB (filamin B; plus strand). Cytogenetic location: 3p14.3.
Variant type: single nucleotide variant.
Coding change: c.1883A>G on transcript NM_001457.4 (MANE Select); coding-DNA position 1883, A replaced by G.
Protein change: p.Lys628Arg; replaces lysine 628 with arginine.
Molecular consequence: missense variant.
Genome position (GRCh38, 1-based): chr3:58,106,815, A>G. VCF-style: chr3-58106815-A-G. GRCh37 (hg19) VCF-style: chr3-58092542-A-G.
Other names: c.1883A>G, p.Lys628Arg (NM_001164317.2, NM_001164318.2, NM_001164319.2); short protein forms K628R.
Identifiers: ClinVar variation 3777551 (VCV003777551.1).